The following is an entry in ClinVar:

NM_012096.3(APPL1):c.1983+5A>G

Genes: APPL1 (adaptor protein, phosphotyrosine interacting with PH domain and leucine zipper 1; plus strand), ASB14 (ankyrin repeat and SOCS box containing 14; minus strand). Cytogenetic location: 3p14.3.
Variant type: single nucleotide variant.
Coding change: c.1983+5A>G on transcript NM_012096.3 (MANE Select); 5 bases into the intron after coding-DNA position 1983, A replaced by G.
Molecular consequence: intron variant. On other transcripts: 3 prime UTR variant (2).
Genome position (GRCh38, 1-based): chr3:57,268,492, A>G. VCF-style: chr3-57268492-A-G. GRCh37 (hg19) VCF-style: chr3-57302520-A-G.
Other names: c.*1149T>C (NM_001142733.3, NM_130387.5).
Identifiers: ClinVar variation 3034768 (VCV003034768.2), dbSNP rs746468995, ClinGen allele CA2463996.

ClinVar aggregate classification (germline): Likely benign (0 of 4 stars; one submission).

Conditions:
APPL1-related disorder. Also called: APPL1-related condition.

Allele frequency attached by ClinVar (database versions not stated): gnomAD exomes 0.00001; ExAC 0.00002.
gnomAD v4.1: 6 of 1,601,228 alleles (0.00037%); highest among the groups gnomAD compares: Admixed American, 0.0071%; no homozygotes.

Submission:

PreventionGenetics, part of Exact Sciences
Classification: Likely benign for APPL1-related condition. Last evaluated: 2022-05-25. Review status: no assertion criteria provided. Collection method: clinical testing. Allele origin: germline.
Comment: This variant is classified as likely benign based on ACMG/AMP sequence variant interpretation guidelines (Richards et al. 2015 PMID: 25741868, with internal and published modifications).